The following is an entry in ClinVar:

ClinVar aggregate classification (germline): Uncertain significance (1 of 4 stars; one submission).

Conditions:
Cognitive impairment - coarse facies - heart defects - obesity - pulmonary involvement - short stature - skeletal dysplasia syndrome. Also called: AFF4-Related CHOPS Syndrome; COGNITIVE IMPAIRMENT, COARSE FACIES, HEART DEFECTS, OBESITY, PULMONARY INVOLVEMENT, SHORT STATURE, AND SKELETAL DYSPLASIA; Chops syndrome. Identifiers: Orphanet 444077, MedGen C4085597, MONDO:0014609, OMIM 616368.

gnomAD v4.1: 1 of 1,614,138 alleles (0.000062%); highest among the groups gnomAD compares: East Asian, 0.0022%; no homozygotes.

Submission:

Labcorp Genetics (formerly Invitae), Labcorp
Classification: Uncertain significance for Cognitive impairment - coarse facies - heart defects - obesity - pulmonary involvement - short stature - skeletal dysplasia syndrome. Last evaluated: 2024-05-20. Review status: criteria provided, single submitter. Criteria: Invitae Variant Classification Sherloc (09022015). Collection method: clinical testing. Allele origin: germline.
Comment: This sequence change replaces histidine, which is basic and polar, with tyrosine, which is neutral and polar, at codon 233 of the AFF4 protein (p.His233Tyr). This variant is present in population databases (rs759418123, gnomAD 0.006%). This variant has not been reported in the literature in individuals affected with AFF4-related conditions. Advanced modeling of protein sequence and biophysical properties (such as structural, functional, and spatial information, amino acid conservation, physicochemical variation, residue mobility, and thermodynamic stability) performed at Invitae indicates that this missense variant is expected to disrupt AFF4 protein function with a positive predictive value of 80%. In summary, the available evidence is currently insufficient to determine the role of this variant in disease. Therefore, it has been classified as a Variant of Uncertain Significance.

NM_014423.4(AFF4):c.697C>T (p.His233Tyr)

Gene: AFF4 (ALF transcription elongation factor 4; minus strand). Cytogenetic location: 5q31.1.
Variant type: single nucleotide variant.
Coding change: c.697C>T on transcript NM_014423.4 (MANE Select); coding-DNA position 697, C replaced by T.
Protein change: p.His233Tyr; replaces histidine 233 with tyrosine.
Molecular consequence: missense variant.
Genome position (GRCh38, 1-based): chr5:132,934,368, G>A on the plus strand (C>T on the coding strand, the complement: AFF4 is on the minus strand). VCF-style: chr5-132934368-G-A. GRCh37 (hg19) VCF-style: chr5-132270060-G-A.
Other names: short protein forms H233Y.
Identifiers: ClinVar variation 3604119 (VCV003604119.2).